The following is an entry in ClinVar:

ClinVar aggregate classification (germline): Pathogenic. Review status: no assertion criteria provided (0 of 4 stars). 2 submissions from 2 submitters: Pathogenic (2). Last evaluated 2020-12-23.

Conditions:
Thrombocytopenia 7. Also called: THROMBOCYTOPENIA, AUTOSOMAL DOMINANT, 7. Identifiers: MedGen C5436874, MONDO:0030867, OMIM 619130.

Submissions (2):

OMIM
Classification: Pathogenic for THROMBOCYTOPENIA 7. Last evaluated: 2020-12-23. Review status: no assertion criteria provided. Collection method: literature only. Allele origin: germline.

ISTH-SSC Genomics in Thrombosis and Hemostasis, KU Leuven, Center for Molecular and Vascular Biology
Classification: Pathogenic for Thrombocytopenia 7. Review status: no assertion criteria provided. Collection method: research. Allele origin: de novo. Affected: yes.
Comment: Submitted to GoldVariant by Dr Karyn Mégy from NIHR Bioresource - Cambridge University, UK

Literature cited by the submitters: PubMed 31217188 (cited by OMIM).

NM_001372123.1(IKZF5):c.463C>T (p.His155Tyr)

Gene: IKZF5 (IKAROS family zinc finger 5; minus strand). Cytogenetic location: 10q26.13.
Variant type: single nucleotide variant.
Coding change: c.463C>T on transcript NM_001372123.1 (MANE Select); coding-DNA position 463, C replaced by T.
Protein change: p.His155Tyr; replaces histidine 155 with tyrosine.
Molecular consequence: missense variant.
Genome position (GRCh38, 1-based): chr10:122,994,577, G>A on the plus strand (C>T on the coding strand, the complement: IKZF5 is on the minus strand). VCF-style: chr10-122994577-G-A. GRCh37 (hg19) VCF-style: chr10-124754093-G-A.
Other names: c.463C>T, p.His155Tyr (NM_001271840.1, NM_001372125.1, NM_001372126.1 and 2 more transcripts); c.259C>T, p.His87Tyr (NM_001372124.1, NM_001372129.1, NM_001372130.1 and 1 more transcripts); short protein forms H155Y, H87Y.
Identifiers: ClinVar variation 1684455 (VCV001684455.2), dbSNP rs2133379669, ClinGen allele CA378612947.
Genomic context (GRCh38, chr10:122,994,577, plus strand): 5'-TGCTTAAGGAAGACCTAGTACCTTTAATTGGTACCATTTTATGCTTGCGCCTTCGATGAT[G>A]GGACAAGTTACTTCGATCACTGCAGCGGAAGGAACATAATTCACATTTGTATGGTTTTTC-3'
Protein context (NP_001359052.1, residues 145-165): FRCSDRSNLS[His155Tyr]HRRRKHKMVP